The following is an entry in ClinVar:

NM_002667.5(PLN):c.-97-5T>C

Genes: PLN (phospholamban; plus strand), CEP85L (centrosomal protein 85L; minus strand). Cytogenetic location: 6q22.31.
Variant type: single nucleotide variant.
Coding change: c.-97-5T>C on transcript NM_002667.5 (MANE Select); 5 bases into the intron before 97 bases upstream of the start codon, T replaced by C.
Molecular consequence: intron variant.
Genome position (GRCh38, 1-based): chr6:118,558,820, T>C. VCF-style: chr6-118558820-T-C. GRCh37 (hg19) VCF-style: chr6-118879983-T-C.
Other names: c.1029+6709A>G (NM_001178035.2); c.1020+6709A>G (NM_001042475.3, NM_206921.3).
Identifiers: ClinVar variation 355136 (VCV000355136.7), dbSNP rs751500735, ClinGen allele CA10625691.
Genomic context (GRCh38, chr6:118,558,820, plus strand): 5'-TATTTTTTGTTCTGAGGATAGGTTACATAGATGATTCTAATCCATTTATTATTTTTACAT[T>C]CCAGGCTACCTAAAAGAAGACAGTTATCTCATATTTGGCTGCCAGCTTTTTATCTTTCTC-3'

ClinVar aggregate classification (germline): Uncertain significance. Review status: criteria provided, multiple submitters, no conflicts (2 of 4 stars). 2 submissions from 2 submitters: Uncertain significance (2). Last evaluated 2024-03-28.

Conditions:
Dilated cardiomyopathy 1P (CMD1P). Identifiers: Orphanet 154, MedGen C1835928, MONDO:0012362, OMIM 609909.

Allele frequency attached by ClinVar (database versions not stated): TOPMed 0.00003; gnomAD 0.00004; gnomAD exomes 0.00005.
gnomAD v4.1: 34 of 799,330 alleles (0.0043%); highest among the groups gnomAD compares: African/African-American, 0.01%; no homozygotes.

Submissions (2):

GeneDx
Classification: Uncertain significance. Last evaluated: 2024-03-28. Review status: criteria provided, single submitter. Criteria: GeneDx Variant Classification Process June 2021. Collection method: clinical testing. Allele origin: germline. Affected: yes.
Comment: Has not been previously published as pathogenic or benign to our knowledge; No data available from control populations to assess the frequency of this variant; In silico analysis supports that this variant does not alter splicing

Illumina Laboratory Services, Illumina
Classification: Uncertain significance for Dilated cardiomyopathy 1P. Last evaluated: 2018-01-13. Review status: criteria provided, single submitter. Criteria: ICSL Variant Classification Criteria 13 December 2019. Collection method: clinical testing. Allele origin: germline.